The following is an entry in ClinVar:

NM_058216.3(RAD51C):c.525dup (p.Cys176fs)

Gene: RAD51C (RAD51 paralog C; plus strand). Cytogenetic location: 17q22.
Variant type: Duplication.
Coding change: c.525dup on transcript NM_058216.3 (MANE Select); coding-DNA position 525, one base duplicated (C; older notation c.525dupC).
Protein change: p.Cys176fs; shifts the reading frame from cysteine 176.
Molecular consequence: frameshift variant.
Genome position (GRCh38, 1-based): chr17:58,696,813, C duplicated; the last of 2 consecutive C bases (chr17:58,696,812-58,696,813); duplicating either gives the same sequence. VCF-style (leftmost placement, unchanged base first): chr17-58696811-G-GC. GRCh37 (hg19) VCF-style: chr17-56774172-G-GC.
Other names: c.525dupC (NM_058216.1); short protein forms C176fs.
Identifiers: ClinVar variation 409827 (VCV000409827.58), dbSNP rs768793789, ClinGen allele CA8677251.

ClinVar aggregate classification (germline): Pathogenic. Review status: criteria provided, multiple submitters, no conflicts (2 of 4 stars). 10 submissions from 10 submitters: Pathogenic (8). 2 of the submissions do not count toward it. Last evaluated 2025-11-18.

Conditions:
Breast-ovarian cancer, familial, susceptibility to, 3. Also called: RAD51C-Related Breast/Ovarian Cancer. Identifiers: Orphanet 145, MedGen C3150659, MONDO:0013253, OMIM 613399.
Fanconi anemia complementation group O. Also called: RAD51C-Related Fanconi Anemia. Identifiers: Orphanet 84, MedGen C3150653, MONDO:0013248, OMIM 613390.
Hereditary cancer-predisposing syndrome. Also called: Tumor predisposition; Hereditary neoplastic syndrome; Hereditary Cancer Syndrome; Neoplastic Syndromes, Hereditary. Identifiers: Orphanet 140162, MedGen C0027672, MeSH D009386, MONDO:0015356.
Ovarian neoplasm. Also called: Ovarian Neoplasms; Neoplasm of ovary; Ovarian tumor. Identifiers: MedGen C0919267, MeSH D010051, MONDO:0021068, HP:0100615.

Submissions (10):

Labcorp Genetics (formerly Invitae), Labcorp
Classification: Pathogenic for Fanconi anemia complementation group O. Last evaluated: 2025-11-18. Review status: criteria provided, single submitter. Criteria: Invitae Variant Classification Sherloc (09022015). Collection method: clinical testing. Allele origin: germline.
Comment: This sequence change creates a premature translational stop signal (p.Cys176Leufs*27) in the RAD51C gene. It is expected to result in an absent or disrupted protein product. Loss-of-function variants in RAD51C are known to be pathogenic (PMID: 20400964, 21990120, 24800917, 29278735). This variant is present in population databases (rs768793789, gnomAD 0.002%). This premature translational stop signal has been observed in individual(s) with breast cancer, non-Hodgkin lymphoma and ovarian cancer (PMID: 20400964). This variant is also known as c.525_526insC. ClinVar contains an entry for this variant (Variation ID: 409827). For these reasons, this variant has been classified as Pathogenic.

Ambry Genetics
Classification: Pathogenic for Hereditary cancer-predisposing syndrome. Last evaluated: 2024-08-21. Review status: criteria provided, single submitter. Criteria: Ambry Variant Classification Scheme 2023. Collection method: clinical testing. Allele origin: germline.
Comment: The c.525dupC pathogenic mutation, located in coding exon 3 of the RAD51C gene, results from a duplication of C at nucleotide position 525, causing a translational frameshift with a predicted alternate stop codon (p.C176Lfs*27). This variant is considered to be rare based on population cohorts in the Genome Aggregation Database (gnomAD). In a study of 1100 German high-risk breast and/or ovarian cancer families, this alteration was detected in 2 individual(s) (Meindl A et al. Nat Genet, 2010 May;42:410-4). In addition to the clinical data presented in the literature, this alteration is expected to result in loss of function by premature protein truncation or nonsense-mediated mRNA decay. As such, this alteration is interpreted as a disease-causing mutation.

Fulgent Genetics
Classification: Pathogenic for Fanconi anemia complementation group O; Breast-ovarian cancer, familial, susceptibility to, 3. Last evaluated: 2024-03-23. Review status: criteria provided, single submitter. Criteria: ACMG Guidelines, 2015. Collection method: clinical testing. Allele origin: germline.

Baylor Genetics
Classification: Pathogenic for Breast-ovarian cancer, familial, susceptibility to, 3. Last evaluated: 2024-02-05. Review status: criteria provided, single submitter. Criteria: ACMG Guidelines, 2015. Collection method: clinical testing. Allele origin: unknown.

Myriad Genetics, Inc.
Classification: Pathogenic for Breast-ovarian cancer, familial, susceptibility to, 3. Last evaluated: 2024-01-02. Review status: criteria provided, single submitter. Criteria: Myriad Autosomal Dominant, Autosomal Recessive and X-Linked Classification Criteria (2023). Collection method: clinical testing. Allele origin: unknown.
Comment: This variant is considered pathogenic. This variant creates a frameshift predicted to result in premature protein truncation.

Institute of Human Genetics, University of Leipzig Medical Center
Classification: Pathogenic for Breast-ovarian cancer, familial, susceptibility to, 3. Last evaluated: 2023-12-04. Review status: criteria provided, single submitter. Criteria: ACMG Guidelines, 2015. Collection method: clinical testing. Allele origin: maternal. Inheritance: Autosomal dominant inheritance. Affected: yes.
Comment: Criteria applied: PVS1,PS4_MOD,PM2_SUP

Institute for Clinical Genetics, University Hospital TU Dresden, University Hospital TU Dresden
Classification: Pathogenic. Last evaluated: 2022-09-13. Review status: criteria provided, single submitter. Criteria: ACMG Guidelines, 2015. Collection method: clinical testing. Allele origin: germline.
Comment: PVS1, PS4, PM2_SUP

CeGaT Center for Human Genetics Tuebingen
Classification: Pathogenic. Last evaluated: 2020-09-01. Review status: criteria provided, single submitter. Criteria: CeGaT Center For Human Genetics Tuebingen Variant Classification Criteria Version 2. Collection method: clinical testing. Allele origin: germline. Affected: yes. Observed: 1 variant allele.

German Consortium for Hereditary Breast and Ovarian Cancer, University Hospital Cologne
Classification: Pathogenic for Ovarian neoplasm. Last evaluated: 2018-12-01. Review status: no assertion criteria provided. Collection method: research. Allele origin: germline. Affected: yes. Not counted in ClinVar's aggregate classification.

Leiden Open Variation Database
Classification: Pathogenic. Last evaluated: 2014-11-02. Review status: no assertion criteria provided. Collection method: curation. Allele origin: germline. Affected: yes. Not counted in ClinVar's aggregate classification.
Comment: Curator: Arleen D. Auerbach. Submitter to LOVD: Johan den Dunnen.

Literature cited by the submitters: PubMed 20400964 (cited by 3 submitters); PubMed 21990120 (cited by Labcorp Genetics (formerly Invitae), Labcorp); PubMed 24800917 (cited by Labcorp Genetics (formerly Invitae), Labcorp); PubMed 29278735 (cited by Labcorp Genetics (formerly Invitae), Labcorp); PubMed 29625052 (cited by Ambry Genetics).